The following is an entry in ClinVar:

ClinVar aggregate classification (germline): Uncertain significance (1 of 4 stars; one submission).

Conditions:
Absence seizure. Also called: Absence epilepsy. Identifiers: Orphanet 1941, MedGen C0014553.
Myoclonic epilepsy, juvenile, susceptibility to, 1. Also called: Myoclonic Epilepsy, Juvenile, 1; EJM1. Identifiers: MedGen C1850778, MONDO:0020752, OMIM 254770.

Allele frequency attached by ClinVar (database versions not stated): gnomAD exomes below 0.00001; TOPMed 0.00001.
gnomAD v4.1: 2 of 1,614,072 alleles (0.00012%); highest among the groups gnomAD compares: Admixed American, 0.0017%; no homozygotes.

Submission:

Labcorp Genetics (formerly Invitae), Labcorp
Classification: Uncertain significance for Myoclonic epilepsy, juvenile, susceptibility to, 1; Absence seizure. Last evaluated: 2018-09-20. Review status: criteria provided, single submitter. Criteria: Invitae Variant Classification Sherloc (09022015). Collection method: clinical testing. Allele origin: germline.
Comment: In summary, the available evidence is currently insufficient to determine the role of this variant in disease. Therefore, it has been classified as a Variant of Uncertain Significance. This sequence change replaces methionine with isoleucine at codon 516 of the EFHC1 protein (p.Met516Ile). The methionine residue is moderately conserved and there is a small physicochemical difference between methionine and isoleucine. This variant is not present in population databases (ExAC no frequency). This variant has not been reported in the literature in individuals with EFHC1-related disease. Algorithms developed to predict the effect of missense changes on protein structure and function (SIFT, PolyPhen-2, Align-GVGD) all suggest that this variant is likely to be tolerated, but these predictions have not been confirmed by published functional studies and their clinical significance is uncertain. Algorithms developed to predict the effect of sequence changes on RNA splicing suggest that this variant may create or strengthen a splice site, but this prediction has not been confirmed by published transcriptional studies.

NM_018100.4(EFHC1):c.1548G>A (p.Met516Ile)

Gene: EFHC1 (EF-hand domain containing 1; plus strand). Cytogenetic location: 6p12.2.
Variant type: single nucleotide variant.
Coding change: c.1548G>A on transcript NM_018100.4 (MANE Select); coding-DNA position 1548, G replaced by A.
Protein change: p.Met516Ile; replaces methionine 516 with isoleucine.
Molecular consequence: missense variant. On other transcripts: non-coding transcript variant (1).
Genome position (GRCh38, 1-based): chr6:52,479,695, G>A. VCF-style: chr6-52479695-G-A. GRCh37 (hg19) VCF-style: chr6-52344493-G-A.
Other names: c.1491G>A, p.Met497Ile (NM_001172420.2); short protein forms M516I, M497I.
Identifiers: ClinVar variation 644582 (VCV000644582.10), dbSNP rs973650043, ClinGen allele CA138992853.